The following is an entry in ClinVar:

NM_006929.5(SKIC2):c.3700C>T (p.Arg1234Trp)

Gene: SKIC2 (SKI2 subunit of superkiller complex; plus strand). Cytogenetic location: 6p21.33.
Variant type: single nucleotide variant.
Coding change: c.3700C>T on transcript NM_006929.5 (MANE Select); coding-DNA position 3700, C replaced by T.
Protein change: p.Arg1234Trp; replaces arginine 1234 with tryptophan.
Molecular consequence: missense variant.
Genome position (GRCh38, 1-based): chr6:31,969,674, C>T. VCF-style: chr6-31969674-C-T. GRCh37 (hg19) VCF-style: chr6-31937451-C-T.
Other names: c.3700C>T (NM_006929.4); short protein forms R1234W.
Identifiers: ClinVar variation 1467823 (VCV001467823.6), dbSNP rs773412607, ClinGen allele CA3730114.
Genomic context (GRCh38, chr6:31,969,674, plus strand): 5'-GCCCGCCTGGTAGGAGAGCCTGTGCTGGGTGCCAAGATGGAGACAGCGGCTACCTTGCTA[C>T]GGCGGGACATCGTATTTGCGGCCAGCCTCTACACCCAGTGAATGCCCCATGTAAAAACAT-3'
Protein context (NP_008860.4, residues 1224-1244): AKMETAATLL[Arg1234Trp]RDIVFAASLY

ClinVar aggregate classification (germline): Uncertain significance. Review status: criteria provided, multiple submitters, no conflicts (2 of 4 stars). 2 submissions from 2 submitters: Uncertain significance (2). Last evaluated 2024-11-24.

Conditions:
Inborn genetic diseases. Identifiers: MedGen C0950123, MeSH D030342.

gnomAD v4.1: 13 of 1,607,002 alleles (0.00081%); highest among the groups gnomAD compares: East Asian, 0.0022%; no homozygotes.

Submissions (2):

Ambry Genetics
Classification: Uncertain significance for Inborn genetic diseases. Last evaluated: 2024-11-24. Review status: criteria provided, single submitter. Criteria: Ambry Variant Classification Scheme 2023. Collection method: clinical testing. Allele origin: germline.

Labcorp Genetics (formerly Invitae), Labcorp
Classification: Uncertain significance. Last evaluated: 2021-09-24. Review status: criteria provided, single submitter. Criteria: Invitae Variant Classification Sherloc (09022015). Collection method: clinical testing. Allele origin: germline.
Comment: This sequence change replaces arginine with tryptophan at codon 1234 of the SKIV2L protein (p.Arg1234Trp). The arginine residue is moderately conserved and there is a moderate physicochemical difference between arginine and tryptophan. This variant is present in population databases (rs773412607, ExAC 0.002%). This variant has not been reported in the literature in individuals with SKIV2L-related conditions. Algorithms developed to predict the effect of missense changes on protein structure and function are either unavailable or do not agree on the potential impact of this missense change (SIFT: "Deleterious"; PolyPhen-2: "Probably Damaging"; Align-GVGD: "Class C0"). In summary, the available evidence is currently insufficient to determine the role of this variant in disease. Therefore, it has been classified as a Variant of Uncertain Significance.